The following is an entry in ClinVar:

NM_002473.6(MYH9):c.4272C>A (p.Asp1424Glu)

Gene: MYH9 (myosin heavy chain 9; minus strand). Cytogenetic location: 22q12.3.
Variant type: single nucleotide variant.
Coding change: c.4272C>A on transcript NM_002473.6 (MANE Select); coding-DNA position 4272, C replaced by A.
Protein change: p.Asp1424Glu; replaces aspartic acid 1424 with glutamic acid.
Molecular consequence: missense variant.
Genome position (GRCh38, 1-based): chr22:36,292,058, G>T on the plus strand (C>A on the coding strand, the complement: MYH9 is on the minus strand). VCF-style: chr22-36292058-G-T. GRCh37 (hg19) VCF-style: chr22-36688104-G-T.
Other names: c.4272C>A (NM_002473.5); short protein forms D1424E.
Identifiers: ClinVar variation 1684413 (VCV001684413.2), dbSNP rs1397006934, ClinGen allele CA411382339.

ClinVar aggregate classification (germline): Likely pathogenic. Review status: criteria provided, single submitter (1 of 4 stars). 2 submissions from 2 submitters: Likely pathogenic (1). 1 of the submissions does not count toward it. Last evaluated 2026-01-13.

Conditions:
MYH9-related disorder. Identifiers: MedGen C1854520.
Macrothrombocytopenia and granulocyte inclusions with or without nephritis or sensorineural hearing loss (MATINS). Also called: MYH9-Related Disease (MYH9-RD); MAY-HEGGLIN ANOMALY; DOHLE LEUKOCYTE INCLUSIONS WITH GIANT PLATELETS; MACROTHROMBOCYTOPENIA WITH LEUKOCYTE INCLUSIONS; BLEEDING DISORDER, PLATELET-TYPE, 6; SEBASTIAN PLATELET SYNDROME. Identifiers: Orphanet 182050, MedGen C5200934, MONDO:0015912, OMIM 155100.

Submissions (2):

PreventionGenetics, part of Exact Sciences
Classification: Likely pathogenic for MYH9-related condition. Last evaluated: 2026-01-13. Review status: criteria provided, single submitter. Criteria: ACMG Guidelines, 2015. Collection method: clinical testing. Allele origin: germline.
Comment: The MYH9 c.4272C>A variant is predicted to result in the amino acid substitution p.Asp1424Glu. This variant has been reported in individuals with MYH9-related disease (Saposnik et al. 2014. PubMed ID: 25077172; Internal Data). This variant has not been reported in a large population database (gnomAD), indicating this variant is rare. A different nucleotide change resulting in the same amino acid substitution (c.4272C>G (p.Asp1424Glu) has also been reported in individuals with MYH9-related disorder(s) (Saposnik et al. 2014. PubMed ID: 25077172; Chen et al. 2013. PubMed ID: 24165359). In addition, alternate missense substitutions at the same amino acid position (p.Asp1424His, p.Asp1424Asn and p.Asp1424Tyr) have been reported in many individuals with MYH9-related disease (see for examples, Seri et al. 2000. PubMed ID: 10973259; Kunishima et al. 2001. PubMed ID: 11159552; Chen et al. 2013. PubMed ID: 24165359; Saposnik et al. 2014. PubMed ID: 25077172; Verver et al. 2016. PubMed ID: 26226608). In summary, the c.4272C>A (p.Asp1424Glu) variant is interpreted as likely pathogenic.

ISTH-SSC Genomics in Thrombosis and Hemostasis, KU Leuven, Center for Molecular and Vascular Biology
Classification: Likely pathogenic for Macrothrombocytopenia and granulocyte inclusions with or without nephritis or sensorineural hearing loss. Review status: no assertion criteria provided. Collection method: research. Allele origin: germline. Affected: yes. Not counted in ClinVar's aggregate classification.
Comment: Submitted to GoldVariant by Jose María Bastida from Grupo Español de Alteraciones Plaquetarias Congénitas (GEAPC), Salamanca, Spain